The following is an entry in ClinVar:

NM_006267.5(RANBP2):c.1661T>C (p.Leu554Pro)

Gene: RANBP2 (RAN binding protein 2; plus strand). Cytogenetic location: 2q13.
Variant type: single nucleotide variant.
Coding change: c.1661T>C on transcript NM_006267.5 (MANE Select); coding-DNA position 1661, T replaced by C.
Protein change: p.Leu554Pro; replaces leucine 554 with proline.
Molecular consequence: missense variant.
Genome position (GRCh38, 1-based): chr2:108,751,900, T>C. VCF-style: chr2-108751900-T-C. GRCh37 (hg19) VCF-style: chr2-109368356-T-C.
Other names: c.1661T>C (NM_006267.4); short protein forms L554P.
Identifiers: ClinVar variation 1721305 (VCV001721305.7), dbSNP rs2467507918, ClinGen allele CA348050061.

ClinVar aggregate classification (germline): Uncertain significance. Review status: criteria provided, multiple submitters, no conflicts (2 of 4 stars). 2 submissions from 2 submitters: Uncertain significance (2). Last evaluated 2025-03-19.

Conditions:
Familial acute necrotizing encephalopathy (IIAE3). Also called: ENCEPHALOPATHY, ACUTE, INFECTION-INDUCED, SUSCEPTIBILITY TO, 3; Susceptibility to Acute Necrotizing Encephalopathy 1. Identifiers: Orphanet 88619, MedGen C2675556, MONDO:0011953, OMIM 608033.

Submissions (2):

GeneDx
Classification: Uncertain significance. Last evaluated: 2025-03-19. Review status: criteria provided, single submitter. Criteria: GeneDx Variant Classification Process June 2021. Collection method: clinical testing. Allele origin: germline. Affected: yes.
Comment: Not observed at significant frequency in large population cohorts (gnomAD); In silico analysis supports that this missense variant has a deleterious effect on protein structure/function; Has not been previously published as pathogenic or benign to our knowledge

Labcorp Genetics (formerly Invitae), Labcorp
Classification: Uncertain significance for Familial acute necrotizing encephalopathy. Last evaluated: 2022-10-08. Review status: criteria provided, single submitter. Criteria: Invitae Variant Classification Sherloc (09022015). Collection method: clinical testing. Allele origin: germline.
Comment: This sequence change replaces leucine, which is neutral and non-polar, with proline, which is neutral and non-polar, at codon 554 of the RANBP2 protein (p.Leu554Pro). This variant is not present in population databases (gnomAD no frequency). This variant has not been reported in the literature in individuals affected with RANBP2-related conditions. Algorithms developed to predict the effect of missense changes on protein structure and function are either unavailable or do not agree on the potential impact of this missense change (SIFT: "Deleterious"; PolyPhen-2: "Possibly Damaging"; Align-GVGD: "Class C0"). In summary, the available evidence is currently insufficient to determine the role of this variant in disease. Therefore, it has been classified as a Variant of Uncertain Significance.